The following is an entry in ClinVar:

ClinVar aggregate classification (germline): Pathogenic. Review status: criteria provided, multiple submitters, no conflicts (2 of 4 stars). 4 submissions from 4 submitters: Pathogenic (2). 2 of the submissions do not count toward it. Last evaluated 2023-07-17.

Conditions:
RYR2-related disorder. Also called: RYR2-related condition.
Catecholaminergic polymorphic ventricular tachycardia 1. Also called: RYR2-Related Catecholaminergic Polymorphic Ventricular Tachycardia; VENTRICULAR TACHYCARDIA, STRESS-INDUCED POLYMORPHIC 1; VENTRICULAR TACHYCARDIA, CATECHOLAMINERGIC POLYMORPHIC, 1, WITH OR WITHOUT ATRIAL DYSFUNCTION AND/OR DILATED CARDIOMYOPATHY. Identifiers: Orphanet 3286, MedGen C1631597, MONDO:0011484, OMIM 604772.

Submissions (4):

Victorian Clinical Genetics Services, Murdoch Childrens Research Institute
Classification: Pathogenic for Catecholaminergic polymorphic ventricular tachycardia 1. Last evaluated: 2023-07-17. Review status: criteria provided, single submitter. Criteria: ACMG Guidelines, 2015. Collection method: clinical testing. Allele origin: germline. Inheritance: Autosomal dominant inheritance. Affected: yes.
Comment: Based on the classification scheme VCGS_Germline_v1.3.4, this variant is classified as Pathogenic. Following criteria are met: 0103 - Dominant negative and gain of function are known mechanisms of disease in this gene and are associated with catecholaminergic polymorphic ventricular tachycardia 1 (MIM#604772) and left ventricular non-compaction (PMIDs: 12459180, 27646203, 29477366, 31875585, 33500567). Loss of function has been reported for ventricular arrhythmias due to cardiac ryanodine receptor calcium release deficiency syndrome (MIM#115000); however, a dominant negative mechanism has not been excluded (PMID: 33536282). (I) 0107 - This gene is associated with autosomal dominant disease. (I) 0112 - The condition associated with this gene has incomplete penetrance. Penetrance for CPVT is estimated to be 60-70% (PMID: 23549275). (I) 0200 - Variant is predicted to result in a missense amino acid change from proline to serine. (I) 0251 - This variant is heterozygous. (I) 0301 - Variant is absent from gnomAD (both v2 and v3). (SP) 0309 - An alternative amino acid change at the same position has been observed in gnomAD (v2: 1 heterozygote, 0 homozygotes). (I) 0501 - Missense variant consistently predicted to be damaging by multiple in silico tools or highly conserved with a major amino acid change. (SP) 0602 - Variant is located in a hotspot region or cluster of pathogenic variants (PMID: 30696458). (SP) 0802 - This variant has moderate previous evidence of pathogenicity in unrelated individuals. It has been found in at least four unrelated families with CPVT (PMIDs: 11157710, 15197150, 33315912). (SP) 0901 - This variant has strong evidence for segregation with disease. In a large family with 17 carriers, 10 out of 12 had exercise-induced ventricular tachycardia. In addition, two carriers were asymptomatic but displayed abnormal clinical findings (PMIDs: 11157710, 15197150). (SP) Legend: (SP) - Supporting pathogenic, (I) - Information, (SB) - Supporting benign

Blueprint Genetics
Classification: Pathogenic for RYR2-related disorders. Last evaluated: 2022-08-01. Review status: criteria provided, single submitter. Criteria: ACMG Guidelines, 2015. Collection method: clinical testing. Allele origin: germline. Affected: yes. Observed: 2 variant alleles.

OMIM
Classification: Pathogenic for VENTRICULAR TACHYCARDIA, CATECHOLAMINERGIC POLYMORPHIC, 1. Last evaluated: 2004-06-29. Review status: no assertion criteria provided. Collection method: literature only. Allele origin: germline. Not counted in ClinVar's aggregate classification.

GeneReviews
No classification provided. Condition: Catecholaminergic polymorphic ventricular tachycardia 1. Review status: no classification provided. Collection method: literature only. Allele origin: unknown. Not counted in ClinVar's aggregate classification.

Literature cited by the submitters: PubMed 11157710 (cited by Victorian Clinical Genetics Services, Murdoch Childrens Research Institute and OMIM); PubMed 12459180 (cited by Victorian Clinical Genetics Services, Murdoch Childrens Research Institute); PubMed 15197150 (cited by Victorian Clinical Genetics Services, Murdoch Childrens Research Institute and OMIM); PubMed 23549275 (cited by Victorian Clinical Genetics Services, Murdoch Childrens Research Institute); PubMed 27646203 (cited by Victorian Clinical Genetics Services, Murdoch Childrens Research Institute); PubMed 29477366 (cited by Victorian Clinical Genetics Services, Murdoch Childrens Research Institute); PubMed 30696458 (cited by Victorian Clinical Genetics Services, Murdoch Childrens Research Institute); PubMed 31875585 (cited by Victorian Clinical Genetics Services, Murdoch Childrens Research Institute); PubMed 33315912 (cited by Victorian Clinical Genetics Services, Murdoch Childrens Research Institute); PubMed 33500567 (cited by Victorian Clinical Genetics Services, Murdoch Childrens Research Institute); PubMed 33536282 (cited by Victorian Clinical Genetics Services, Murdoch Childrens Research Institute); PubMed 21454795 (cited by GeneReviews); PubMed 20301466 (cited by GeneReviews); NCBI Bookshelf NBK1289 (cited by GeneReviews).

NM_001035.3(RYR2):c.6982C>T (p.Pro2328Ser)

Gene: RYR2 (ryanodine receptor 2; plus strand). Cytogenetic location: 1q43.
Variant type: single nucleotide variant.
Coding change: c.6982C>T on transcript NM_001035.3 (MANE Select); coding-DNA position 6982, C replaced by T.
Protein change: p.Pro2328Ser; replaces proline 2328 with serine.
Molecular consequence: missense variant.
Genome position (GRCh38, 1-based): chr1:237,639,068, C>T. VCF-style: chr1-237639068-C-T. GRCh37 (hg19) VCF-style: chr1-237802368-C-T.
Other names: c.6982C>T, p.Pro2328Ser (LRG_402t1); short protein forms P2328S.
Identifiers: ClinVar variation 12960 (VCV000012960.8), dbSNP rs121918603, ClinGen allele CA010458.